The following is an entry in ClinVar:

ClinVar aggregate classification (germline): Uncertain significance (1 of 4 stars; one submission).

Allele frequency attached by ClinVar (database versions not stated): gnomAD exomes below 0.00001; TOPMed below 0.00001; ExAC 0.00002.
gnomAD v4.1: 4 of 1,591,024 alleles (0.00025%); highest among the groups gnomAD compares: Non-Finnish European, 0.00035%; no homozygotes.

Submission:

Labcorp Genetics (formerly Invitae), Labcorp
Classification: Uncertain significance. Last evaluated: 2025-09-15. Review status: criteria provided, single submitter. Criteria: Invitae Variant Classification Sherloc (09022015). Collection method: clinical testing. Allele origin: germline.
Comment: This sequence change replaces lysine, which is basic and polar, with asparagine, which is neutral and polar, at codon 642 of the HMCN1 protein (p.Lys642Asn). This variant is present in population databases (rs773960026, gnomAD 0.002%). This variant has not been reported in the literature in individuals affected with HMCN1-related conditions. ClinVar contains an entry for this variant (Variation ID: 2877502). An algorithm developed to predict the effect of missense changes on protein structure and function (PolyPhen-2) suggests that this variant is likely to be disruptive. In summary, the available evidence is currently insufficient to determine the role of this variant in disease. Therefore, it has been classified as a Variant of Uncertain Significance.

NM_031935.3(HMCN1):c.1926G>T (p.Lys642Asn)

Gene: HMCN1 (hemicentin 1; plus strand). Cytogenetic location: 1q31.1.
Variant type: single nucleotide variant.
Coding change: c.1926G>T on transcript NM_031935.3 (MANE Select); coding-DNA position 1926, G replaced by T.
Protein change: p.Lys642Asn; replaces lysine 642 with asparagine.
Molecular consequence: missense variant.
Genome position (GRCh38, 1-based): chr1:185,962,615, G>T. VCF-style: chr1-185962615-G-T. GRCh37 (hg19) VCF-style: chr1-185931747-G-T.
Other names: short protein forms K642N.
Identifiers: ClinVar variation 2877502 (VCV002877502.3), dbSNP rs773960026, ClinGen allele CA1291237.
Genomic context (GRCh38, chr1:185,962,615, plus strand): 5'-TTTCACAGGAGGGTCTGAGGTCTCCATCATGTGTTCTGCAACAGGTTATCCCAAACCAAA[G>T]ATTGCCTGGACCGTTAACGATATGTTTATCGTGGGTTCACACAGGTACTGGGTTTGTATC-3'
Protein context (NP_114141.2, residues 632-652): MCSATGYPKP[Lys642Asn]IAWTVNDMFI